The following is an entry in ClinVar:

ClinVar aggregate classification (germline): Pathogenic (1 of 4 stars; one submission).

Conditions:
Familial adenomatous polyposis 1 (FAP1). Also called: FAMILIAL ADENOMATOUS POLYPOSIS 1, ATTENUATED; POLYPOSIS, ADENOMATOUS INTESTINAL. Identifiers: MedGen C2713442, MONDO:0021056, OMIM 175100. Disease mechanism: loss of function.

Submission:

Victorian Clinical Genetics Services, Murdoch Childrens Research Institute
Classification: Pathogenic for Familial adenomatous polyposis 1. Last evaluated: 2023-07-17. Review status: criteria provided, single submitter. Criteria: ACMG Guidelines, 2015. Collection method: clinical testing. Allele origin: germline. Inheritance: Autosomal dominant inheritance. Affected: yes.
Comment: Based on the classification scheme VCGS_Germline_v1.3.4, this variant is classified as Pathogenic. Following criteria are met: 0102 - Loss of function is a known mechanism of disease in this gene and is associated with familial adenomatous polyposis (FAP; MIM#175100). (I) 0107 - This gene is associated with autosomal dominant disease. (I) 0112 - The condition associated with this gene has incomplete penetrance in association with attenuated FAP, however classic FAP is reported to have complete penetrance (PMID: 20301519). (I) 0115 - Variants in this gene are known to have variable expressivity, with known intra and interfamilial variability (PMID: 20301519). (I) 0211 - Canonical splice site variant without proven consequence on splicing (no functional evidence available). (SP) 0251 - This variant is heterozygous. (I) 0301 - Variant is absent from gnomAD (both v2 and v3). (SP) 0505 - Abnormal splicing is predicted by in silico tools and affected nucleotide is highly conserved. (SP) 0701 - Other canonical splice variants comparable to the one identified in this case have very strong previous evidence for pathogenicity. Four alternative changes at the same canonical splice site detected in germline samples have been classified as pathogenic or likely pathogenic by clinical laboratories in ClinVar, and several of these have also been identified in individuals with FAP in the literature (PMID: 20223039). (SP) 0807 - This variant has no previous evidence of pathogenicity. (I) 0905 - No published segregation evidence has been identified for this variant. (I) 1007 - No published functional evidence has been identified for this variant. (I) 1208 - Inheritance information for this variant is not currently available in this individual. (I) Legend: (SP) - Supporting pathogenic, (I) - Information, (SB) - Supporting benign

Literature cited by the submitters: PubMed 2022303; PubMed 20301519; PubMed 20223039.

NM_000038.6(APC):c.532-1G>C

Gene: APC (APC regulator of Wnt signaling pathway; plus strand). Cytogenetic location: 5q22.2.
Variant type: single nucleotide variant.
Coding change: c.532-1G>C on transcript NM_000038.6 (MANE Select); the canonical splice acceptor site of the intron before coding-DNA position 532, G replaced by C.
Molecular consequence: splice acceptor variant.
Genome position (GRCh38, 1-based): chr5:112,780,789, G>C. VCF-style: chr5-112780789-G-C. GRCh37 (hg19) VCF-style: chr5-112116486-G-C.
Other names: c.-504-1G>C (NM_001407470.1, NM_001407472.1, NM_001354906.2 and 1 more transcripts); c.532-1G>C (NM_001407447.1, NM_001354895.2, NM_001407456.1 and 16 more transcripts); c.562-1G>C (NM_001407446.1, NM_001354897.2, NM_001354902.2 and 1 more transcripts); c.355-1G>C (NM_001407453.1, NM_001354900.2, NM_001354901.2 and 1 more transcripts); c.457-1G>C (NM_001407451.1, NM_001354898.2, NM_001354904.2).
Identifiers: ClinVar variation 3254694 (VCV003254694.1), dbSNP rs1554072547.